The following is an entry in ClinVar:

NM_022051.3(EGLN1):c.232G>A (p.Ala78Thr)

Gene: EGLN1 (egl-9 family hypoxia inducible factor 1; minus strand). Cytogenetic location: 1q42.2.
Variant type: single nucleotide variant.
Coding change: c.232G>A on transcript NM_022051.3 (MANE Select); coding-DNA position 232, G replaced by A.
Protein change: p.Ala78Thr; replaces alanine 78 with threonine.
Molecular consequence: missense variant.
Genome position (GRCh38, 1-based): chr1:231,421,657, C>T on the plus strand (G>A on the coding strand, the complement: EGLN1 is on the minus strand). VCF-style: chr1-231421657-C-T. GRCh37 (hg19) VCF-style: chr1-231557403-C-T.
Other names: c.232G>A, p.Ala78Thr (NM_001377260.1, NM_001377261.1); short protein forms A78T.
Identifiers: ClinVar variation 941631 (VCV000941631.6), dbSNP rs1656619749, ClinGen allele CA345238402.
Genomic context (GRCh38, chr1:231,421,657, plus strand): 5'-CCGCTGCCTTCCTGGGCTCCCGGGCCCCGGCCCTGGGCGGCGGCACTGCAGCCGGCGGCG[C>T]GGGGCCGGAATGCTGGTGTGGGCCCACTCCGTGGCCGAGGGCGCCCTCGCTGCCCTGGCA-3'
Protein context (NP_071334.1, residues 68-88): GVGPHQHSGP[Ala78Thr]PPAAVPPPRA

ClinVar aggregate classification (germline): Uncertain significance (1 of 4 stars; one submission).

Conditions:
Erythrocytosis, familial, 3 (ECYT3). Identifiers: Orphanet 247511, MedGen C1853286, MONDO:0012353, OMIM 609820.

Submission:

Labcorp Genetics (formerly Invitae), Labcorp
Classification: Uncertain significance for Erythrocytosis, familial, 3. Last evaluated: 2023-07-06. Review status: criteria provided, single submitter. Criteria: Invitae Variant Classification Sherloc (09022015). Collection method: clinical testing. Allele origin: germline.
Comment: An algorithm developed to predict the effect of missense changes on protein structure and function (PolyPhen-2) suggests that this variant is likely to be disruptive. ClinVar contains an entry for this variant (Variation ID: 941631). This variant has not been reported in the literature in individuals affected with EGLN1-related conditions. This variant is not present in population databases (gnomAD no frequency). This sequence change replaces alanine, which is neutral and non-polar, with threonine, which is neutral and polar, at codon 78 of the EGLN1 protein (p.Ala78Thr). In summary, the available evidence is currently insufficient to determine the role of this variant in disease. Therefore, it has been classified as a Variant of Uncertain Significance.